The following is an entry in ClinVar:

ClinVar aggregate classification (germline): Conflicting classifications of pathogenicity. Review status: criteria provided, conflicting classifications (1 of 4 stars). 4 submissions from 4 submitters: Uncertain significance (3); Likely benign (1). Last evaluated 2025-01-18.

Conditions:
Ehlers-Danlos syndrome, dermatosparaxis type. Also called: Dermatosparaxis; Ehlers-Danlos syndrome, type VII, autosomal recessive; EDS VIIC. Identifiers: Orphanet 1901, MedGen C2700425, MONDO:0009161, OMIM 225410.

Allele frequency attached by ClinVar (database versions not stated): gnomAD 0.00007; ESP Exome Variant Server 0.00008; gnomAD exomes 0.00010; ExAC 0.00011.
gnomAD v4.1: 96 of 1,610,952 alleles (0.006%); highest among the groups gnomAD compares: Middle Eastern, 0.43%; 1 homozygote.

Submissions (4):

Labcorp Genetics (formerly Invitae), Labcorp
Classification: Uncertain significance for Ehlers-Danlos syndrome, dermatosparaxis type. Last evaluated: 2025-01-18. Review status: criteria provided, single submitter. Criteria: Invitae Variant Classification Sherloc (09022015). Collection method: clinical testing. Allele origin: germline.
Comment: This sequence change replaces valine, which is neutral and non-polar, with methionine, which is neutral and non-polar, at codon 954 of the ADAMTS2 protein (p.Val954Met). This variant is present in population databases (rs368363548, gnomAD 0.01%). This variant has not been reported in the literature in individuals affected with ADAMTS2-related conditions. ClinVar contains an entry for this variant (Variation ID: 972104). An algorithm developed to predict the effect of missense changes on protein structure and function (PolyPhen-2) suggests that this variant is likely to be disruptive. In summary, the available evidence is currently insufficient to determine the role of this variant in disease. Therefore, it has been classified as a Variant of Uncertain Significance.

Women's Health and Genetics/Laboratory Corporation of America, LabCorp
Classification: Uncertain significance. Last evaluated: 2025-01-13. Review status: criteria provided, single submitter. Criteria: LabCorp Variant Classification Summary - May 2015. Collection method: clinical testing. Allele origin: germline.
Comment: Variant summary: ADAMTS2 c.2860G>A (p.Val954Met) results in a conservative amino acid change located in the TSP-1 type 1 repeat region of the encoded protein sequence. Three of five in-silico tools predict a benign effect of the variant on protein function. The variant allele was found at a frequency of 6e-05 in 1610952 control chromosomes in the gnomAD database, including 1 homozygotes. This frequency is not significantly higher than estimated for a pathogenic variant in ADAMTS2 causing Ehlers-Danlos syndrome, dermatosparaxis type (6e-05 vs 0.0011), allowing no conclusion about variant significance. To our knowledge, no occurrence of c.2860G>A in individuals affected with Ehlers-Danlos syndrome, dermatosparaxis type and no experimental evidence demonstrating its impact on protein function have been reported. ClinVar contains an entry for this variant (Variation ID: 972104). Based on the evidence outlined above, the variant was classified as uncertain significance.

CeGaT Center for Human Genetics Tuebingen
Classification: Uncertain significance. Last evaluated: 2024-08-01. Review status: criteria provided, single submitter. Criteria: CeGaT Center For Human Genetics Tuebingen Variant Classification Criteria Version 2. Collection method: clinical testing. Allele origin: germline. Affected: yes. Observed: 3 variant alleles.
Comment: ADAMTS2: PM2

GeneDx
Classification: Likely benign. Last evaluated: 2021-04-02. Review status: criteria provided, single submitter. Criteria: GeneDx Variant Classification Process June 2021. Collection method: clinical testing. Allele origin: germline. Affected: yes.
Comment: In silico analysis supports that this missense variant does not alter protein structure/function

NM_014244.5(ADAMTS2):c.2860G>A (p.Val954Met)

Gene: ADAMTS2 (ADAM metallopeptidase with thrombospondin type 1 motif 2; minus strand). Cytogenetic location: 5q35.3.
Variant type: single nucleotide variant.
Coding change: c.2860G>A on transcript NM_014244.5 (MANE Select); coding-DNA position 2860, G replaced by A.
Protein change: p.Val954Met; replaces valine 954 with methionine.
Molecular consequence: missense variant.
Genome position (GRCh38, 1-based): chr5:179,125,071, C>T on the plus strand (G>A on the coding strand, the complement: ADAMTS2 is on the minus strand). VCF-style: chr5-179125071-C-T. GRCh37 (hg19) VCF-style: chr5-178552072-C-T.
Other names: short protein forms V954M.
Identifiers: ClinVar variation 972104 (VCV000972104.37), dbSNP rs368363548, ClinGen allele CA3595393.